The following is an entry in ClinVar:

ClinVar aggregate classification (germline): Uncertain significance. Review status: criteria provided, single submitter (1 of 4 stars). 3 submissions from 3 submitters: Uncertain significance (1). 2 of the submissions do not count toward it. Last evaluated 2022-07-12.

Conditions:
ATRX-related disorder. Also called: ATRX-related condition.
Alpha thalassemia-X-linked intellectual disability syndrome (ATRX). Also called: X-linked alpha-thalassemia-mental retardation syndrome; ALPHA-THALASSEMIA/IMPAIRED INTELLECTUAL DEVELOPMENT SYNDROME, X-LINKED; ALPHA-THALASSEMIA/MENTAL RETARDATION SYNDROME, X-LINKED; ATR, NONDELETION TYPE; ATR-X syndrome; Alpha thalassemia mental retardation syndrome, nondeletion type, X-linked. Identifiers: Orphanet 847, MedGen C1845055, MONDO:0010519, OMIM 301040.

Submissions (3):

Labcorp Genetics (formerly Invitae), Labcorp
Classification: Uncertain significance for Alpha thalassemia-X-linked intellectual disability syndrome. Last evaluated: 2022-07-12. Review status: criteria provided, single submitter. Criteria: Invitae Variant Classification Sherloc (09022015). Collection method: clinical testing. Allele origin: germline.
Comment: This sequence change replaces asparagine, which is neutral and polar, with aspartic acid, which is acidic and polar, at codon 2321 of the ATRX protein (p.Asn2321Asp). In summary, the available evidence is currently insufficient to determine the role of this variant in disease. Therefore, it has been classified as a Variant of Uncertain Significance. Algorithms developed to predict the effect of missense changes on protein structure and function are either unavailable or do not agree on the potential impact of this missense change (SIFT: "Tolerated"; PolyPhen-2: "Possibly Damaging"; Align-GVGD: "Class C0"). ClinVar contains an entry for this variant (Variation ID: 1490117). This variant has not been reported in the literature in individuals affected with ATRX-related conditions. This variant is not present in population databases (gnomAD no frequency).

Natera, Inc.
Classification: Uncertain significance for X-linked alpha-thalassemia-mental retardation syndrome. Last evaluated: 2025-04-10. Review status: no assertion criteria provided. Collection method: clinical testing. Allele origin: germline. Not counted in ClinVar's aggregate classification.

PreventionGenetics, part of Exact Sciences
Classification: Uncertain significance for ATRX-related condition. Last evaluated: 2024-07-16. Review status: no assertion criteria provided. Collection method: clinical testing. Allele origin: germline. Not counted in ClinVar's aggregate classification.
Comment: The ATRX c.6961A>G variant is predicted to result in the amino acid substitution p.Asn2321Asp. To our knowledge, this variant has not been reported in the literature or in a large population database, indicating this variant is rare. At this time, the clinical significance of this variant is uncertain due to the absence of conclusive functional and genetic evidence.

NM_000489.6(ATRX):c.6961A>G (p.Asn2321Asp)

Gene: ATRX (ATRX chromatin remodeler; minus strand). Cytogenetic location: Xq21.1.
Variant type: single nucleotide variant.
Coding change: c.6961A>G on transcript NM_000489.6 (MANE Select); coding-DNA position 6961, A replaced by G.
Protein change: p.Asn2321Asp; replaces asparagine 2321 with aspartic acid.
Molecular consequence: missense variant.
Genome position (GRCh38, 1-based): chrX:77,522,277, T>C on the plus strand (A>G on the coding strand, the complement: ATRX is on the minus strand). VCF-style: chrX-77522277-T-C. GRCh37 (hg19) VCF-style: chrX-76777755-T-C.
Other names: c.6961A>G (NM_000489.4, NM_000489.5); c.6847A>G, p.Asn2283Asp (NM_138270.5); short protein forms N2283D, N2321D.
Identifiers: ClinVar variation 1490117 (VCV001490117.10), dbSNP rs2147748088, ClinGen allele CA413708414.